The following is an entry in ClinVar:

NM_033380.3(COL4A5):c.3668G>A (p.Gly1223Asp)

Gene: COL4A5 (collagen type IV alpha 5 chain; plus strand). Cytogenetic location: Xq22.3.
Variant type: single nucleotide variant.
Coding change: c.3668G>A on transcript NM_033380.3 (MANE Select); coding-DNA position 3668, G replaced by A.
Protein change: p.Gly1223Asp; replaces glycine 1223 with aspartic acid.
Molecular consequence: missense variant.
Genome position (GRCh38, 1-based): chrX:108,668,382, G>A. VCF-style: chrX-108668382-G-A. GRCh37 (hg19) VCF-style: chrX-107911612-G-A.
Other names: p.(Gly1223Asp); c.3668G>A, p.Gly1223Asp (NM_000495.5); short protein forms G1223D.
Identifiers: ClinVar variation 587106 (VCV000587106.13), dbSNP rs104886252, ClinGen allele CA413848611.

ClinVar aggregate classification (germline): Pathogenic. Review status: criteria provided, multiple submitters, no conflicts (2 of 4 stars). 2 submissions from 2 submitters: Pathogenic (2). Last evaluated 2026-07-08.

Conditions:
X-linked Alport syndrome (ATS1). Also called: COL4A5-Related Nephropathy; NEPHROPATHY AND DEAFNESS, X-LINKED. Identifiers: Orphanet 63, Orphanet 88917, MedGen C4746986, MONDO:0010520, OMIM 301050.

Submissions (2):

Centre de Génétique Humaine, Institut de Pathologie Et de Génétique
Classification: Pathogenic for X-linked Alport syndrome. Last evaluated: 2026-07-08. Review status: criteria provided, single submitter. Criteria: ACMG Guidelines, 2015. Collection method: clinical testing. Allele origin: de novo. Inheritance: X-linked dominant inheritance. Affected: yes. Observed: 1 variant allele, 1 heterozygote.
Comment: This missense variant involves a highly conserved glycine located in a ‘Gly-X-Y’ motif in collagenous region, (PM1,PP2). This variant is rare: absent in gnomAD v4.1.0 database (PM2). Another missense variant affecting the same residue described as pathogenic in CinVar and as disease causing PMID: 15954103: c.3668G>T, p.(Gly1223Val) (PM5). In silico analysis supports that this missense variant has a deleterious effect (PP3). Described in several families with X-linked AS (PP5).

Labcorp Genetics (formerly Invitae), Labcorp
Classification: Pathogenic. Last evaluated: 2022-06-03. Review status: criteria provided, single submitter. Criteria: Invitae Variant Classification Sherloc (09022015). Collection method: clinical testing. Allele origin: germline.
Comment: ClinVar contains an entry for this variant (Variation ID: 587106). Advanced modeling of protein sequence and biophysical properties (such as structural, functional, and spatial information, amino acid conservation, physicochemical variation, residue mobility, and thermodynamic stability) performed at Invitae indicates that this missense variant is expected to disrupt COL4A5 protein function. This variant disrupts the triple helix domain of COL4A5. Glycine residues within the Gly-Xaa-Yaa repeats of the triple helix domain are required for the structure and stability of fibrillar collagens (PMID: 7695699, 8218237, 19344236). In COL4A5, missense variants at these glycine residues are significantly enriched in individuals with disease (PMID: 23720012, 27627812) compared to the general population (ExAC). For these reasons, this variant has been classified as Pathogenic. This missense change has been observed in individuals with Alport Syndrome (PMID: 22921432; Invitae). This sequence change replaces glycine, which is neutral and non-polar, with aspartic acid, which is acidic and polar, at codon 1223 of the COL4A5 protein (p.Gly1223Asp). This variant is not present in population databases (gnomAD no frequency).

Literature cited by the submitters: PubMed 22921432 (cited by Centre de Génétique Humaine, Institut de Pathologie Et de Génétique and Labcorp Genetics (formerly Invitae), Labcorp); PubMed 35064937 (cited by Centre de Génétique Humaine, Institut de Pathologie Et de Génétique); PubMed 40533884 (cited by Centre de Génétique Humaine, Institut de Pathologie Et de Génétique); PubMed 40630291 (cited by Centre de Génétique Humaine, Institut de Pathologie Et de Génétique); PubMed 7695699 (cited by Labcorp Genetics (formerly Invitae), Labcorp); PubMed 8218237 (cited by Labcorp Genetics (formerly Invitae), Labcorp); PubMed 19344236 (cited by Labcorp Genetics (formerly Invitae), Labcorp); PubMed 23720012 (cited by Labcorp Genetics (formerly Invitae), Labcorp); PubMed 27627812 (cited by Labcorp Genetics (formerly Invitae), Labcorp).